The following is an entry in ClinVar:

NM_004239.4(TRIP11):c.2102A>G (p.Asn701Ser)

Gene: TRIP11 (thyroid hormone receptor interactor 11; minus strand). Cytogenetic location: 14q32.12.
Variant type: single nucleotide variant.
Coding change: c.2102A>G on transcript NM_004239.4 (MANE Select); coding-DNA position 2102, A replaced by G.
Protein change: p.Asn701Ser; replaces asparagine 701 with serine.
Molecular consequence: missense variant.
Genome position (GRCh38, 1-based): chr14:92,005,874, T>C on the plus strand (A>G on the coding strand, the complement: TRIP11 is on the minus strand). VCF-style: chr14-92005874-T-C. GRCh37 (hg19) VCF-style: chr14-92472218-T-C.
Other names: c.2099A>G, p.Asn700Ser (NM_001321851.1); short protein forms N701S, N700S.
Identifiers: ClinVar variation 5511 (VCV000005511.45), dbSNP rs139539448, ClinGen allele CA117563.

ClinVar aggregate classification (germline): Conflicting classifications of pathogenicity. Review status: criteria provided, conflicting classifications (1 of 4 stars). 8 submissions from 8 submitters: Uncertain significance (3); Likely benign (5). Last evaluated 2026-06-01.

Conditions:
Connective tissue disorder. Also called: Connective tissue disease. Identifiers: MedGen C0009782, MONDO:0003900.
Achondrogenesis, type IA (ACG1A). Identifiers: Orphanet 932, Orphanet 93299, MedGen C0265273, MONDO:0008701, OMIM 200600.

Allele frequency attached by ClinVar (database versions not stated): 1000 Genomes Project 30x 0.00141; ExAC 0.00170; gnomAD exomes 0.00170 and 0.00351; 1000 Genomes Project 0.00180; gnomAD 0.00188 and 0.00217; ESP Exome Variant Server 0.00215; TOPMed 0.00235.
gnomAD v4.1: 5,411 of 1,614,040 alleles (0.34%); highest among the groups gnomAD compares: Non-Finnish European, 0.42%; 18 homozygotes.

Submissions (8):

CeGaT Center for Human Genetics Tuebingen
Classification: Likely benign. Last evaluated: 2026-06-01. Review status: criteria provided, single submitter. Criteria: CeGaT Center For Human Genetics Tuebingen Variant Classification Criteria Version 2. Collection method: clinical testing. Allele origin: germline. Affected: yes. Observed: 3 variant alleles.
Comment: TRIP11: BP4, BS2

Women's Health and Genetics/Laboratory Corporation of America, LabCorp
Classification: Likely benign. Last evaluated: 2026-05-14. Review status: criteria provided, single submitter. Criteria: LabCorp Variant Classification Summary - May 2015. Collection method: clinical testing. Allele origin: germline.
Comment: Variant summary: TRIP11 c.2102A>G (p.Asn701Ser) results in a conservative amino acid change in the encoded protein sequence. Algorithms developed to predict the effect of missense changes on protein structure and function are either unavailable or do not agree on the potential impact of this missense change. The variant allele was found at a frequency of 0.0017 in 250624 control chromosomes, predominantly at a frequency of 0.0029 within the Non-Finnish European subpopulation in the gnomAD database. The observed variant frequency within Non-Finnish European control individuals in the gnomAD database exceeds the estimated maximal expected allele frequency for disease-causing variants in TRIP11. To our knowledge, no occurrence of c.2102A>G in individuals affected with TRIP11-related conditions and no experimental evidence demonstrating its impact on protein function have been reported. ClinVar contains an entry for this variant (Variation ID: 5511). Based on the evidence outlined above, the variant was classified as likely benign.

Labcorp Genetics (formerly Invitae), Labcorp
Classification: Likely benign for Achondrogenesis, type IA. Last evaluated: 2025-12-31. Review status: criteria provided, single submitter. Criteria: Invitae Variant Classification Sherloc (09022015). Collection method: clinical testing. Allele origin: germline.

Blueprint Genetics
Classification: Likely benign. Last evaluated: 2024-11-25. Review status: criteria provided, single submitter. Criteria: ACMG Guidelines, 2015. Collection method: clinical testing. Allele origin: germline.

ARUP Laboratories, Molecular Genetics and Genomics, ARUP Laboratories
Classification: Uncertain significance. Last evaluated: 2023-10-18. Review status: criteria provided, single submitter. Criteria: ARUP Molecular Germline Variant Investigation Process 2024. Collection method: clinical testing. Allele origin: germline.
Comment: The TRIP11 c.2102A>G; p.Asn701Ser variant (rs139539448), to our knowledge, is not described in the medical literature but contains an entry in ClinVar (Variation ID: 5511). It is observed in the general population at an overall frequency of 0.17% (484/282038 alleles) in the Genome Aggregation Database. The asparagine at position 701 is weakly conserved, and computational analyses predict that this variant is neutral (REVEL: 0.037). However, due to limited clinical and functional data regarding this variant, its clinical significance cannot be determined with certainty.

Genome Diagnostics Laboratory, The Hospital for Sick Children
Classification: Uncertain significance for Connective tissue disorder. Last evaluated: 2018-11-07. Review status: criteria provided, single submitter. Criteria: ACMG Guidelines, 2015. Collection method: clinical testing. Allele origin: germline.

Illumina Laboratory Services, Illumina
Classification: Likely benign for Achondrogenesis, type IA. Last evaluated: 2017-04-27. Review status: criteria provided, single submitter. Criteria: ICSL Variant Classification Criteria 13 December 2019. Collection method: clinical testing. Allele origin: germline.
Comment: This variant was observed as part of a predisposition screen in an ostensibly healthy population. A literature search was performed for the gene, cDNA change, and amino acid change (where applicable). Publications were found based on this search. The evidence from the literature, in combination with allele frequency data from public databases where available, was sufficient to determine this variant is unlikely to cause disease. Therefore, this variant is classified as likely benign.

Eurofins Ntd Llc (ga)
Classification: Uncertain significance. Last evaluated: 2016-04-28. Review status: criteria provided, single submitter. Criteria: EGL Classification Definitions 2015. Collection method: clinical testing. Allele origin: germline. Observed: 2 variant alleles, 2 heterozygotes.

Literature cited by the submitters: PubMed 2008997 (cited by Illumina Laboratory Services, Illumina); PubMed 200899 (cited by Illumina Laboratory Services, Illumina); PubMed 20089971 (cited by Illumina Laboratory Services, Illumina).